The following is an entry in ClinVar:

NM_000264.5(PTCH1):c.1231_1232del (p.Val411fs)

Gene: PTCH1 (patched 1; minus strand). Cytogenetic location: 9q22.32.
Variant type: Microsatellite.
Coding change: c.1231_1232del on transcript NM_000264.5 (MANE Select); coding-DNA positions 1231 to 1232, 2 bases deleted (GT; older notation c.1231_1232delGT).
Protein change: p.Val411fs; shifts the reading frame from valine 411.
Molecular consequence: frameshift variant. On other transcripts: non-coding transcript variant (1).
Genome position (GRCh38, 1-based): chr9:95,478,170-95,478,171, AC deleted on the plus strand (GT on the coding strand, the reverse complement: PTCH1 is on the minus strand); deleting any 2 consecutive bases within chr9:95,478,170-95,478,173 gives the same sequence; the c. name uses the placement nearest the transcript's 3' end. VCF-style (leftmost placement, unchanged base first): chr9-95478169-GAC-G. GRCh37 (hg19) VCF-style: chr9-98240451-GAC-G.
Other names: c.1231_1232delGT (NM_000264.3); c.1033_1034del, p.Val345fs (NM_001083602.3); c.1228_1229del, p.Val410fs (NM_001083603.3); c.778_779del, p.Val260fs (NM_001083604.3, NM_001083605.3, NM_001083606.3 and 1 more transcripts); c.1231_1232del, p.Val411fs (NM_001354918.2); short protein forms V411fs, V345fs, V410fs, V260fs.
Identifiers: ClinVar variation 1455170 (VCV001455170.7), dbSNP rs2118338822, ClinGen allele CA2580616237.

ClinVar aggregate classification (germline): Pathogenic. Review status: criteria provided, multiple submitters, no conflicts (2 of 4 stars). 2 submissions from 2 submitters: Pathogenic (2). Last evaluated 2026-05-21.

Conditions:
Hereditary cancer-predisposing syndrome. Also called: Tumor predisposition; Neoplastic Syndromes, Hereditary; Hereditary Cancer Syndrome; Hereditary neoplastic syndrome. Identifiers: Orphanet 140162, MedGen C0027672, MeSH D009386, MONDO:0015356.
Gorlin syndrome. Also called: Basal cell nevus syndrome; Nevoid Basal Cell Carcinoma Syndrome. Identifiers: Orphanet 377, MedGen C0004779, MONDO:0007187.

Submissions (2):

Ambry Genetics
Classification: Pathogenic for Hereditary cancer-predisposing syndrome. Last evaluated: 2026-05-21. Review status: criteria provided, single submitter. Criteria: Ambry Variant Classification Scheme 2023. Collection method: clinical testing. Allele origin: germline.
Comment: The c.1231_1232delGT pathogenic mutation, located in coding exon 9 of the PTCH1 gene, results from a deletion of two nucleotides at nucleotide positions 1231 to 1232, causing a translational frameshift with a predicted alternate stop codon (p.V411Rfs*25). This variant was reported in individual(s) with features consistent with PTCH1-related nevoid basal cell carcinoma syndrome (Alonso N et al. Br J Dermatol, 2018 Jan;178:198-206; Ambry internal data). This variant is considered to be rare based on population cohorts in the Genome Aggregation Database (gnomAD). This alteration is expected to result in loss of function by premature protein truncation or nonsense-mediated mRNA decay. As such, this alteration is interpreted as a disease-causing mutation.

Labcorp Genetics (formerly Invitae), Labcorp
Classification: Pathogenic for Gorlin syndrome. Last evaluated: 2021-08-02. Review status: criteria provided, single submitter. Criteria: Invitae Variant Classification Sherloc (09022015). Collection method: clinical testing. Allele origin: germline.
Comment: This premature translational stop signal has been observed in individual(s) with basal cell carcinoma syndrome (PMID: 28733979). This variant is not present in population databases (ExAC no frequency). This sequence change creates a premature translational stop signal (p.Val411Argfs*25) in the PTCH1 gene. It is expected to result in an absent or disrupted protein product. Loss-of-function variants in PTCH1 are known to be pathogenic (PMID: 16301862, 16419085). For these reasons, this variant has been classified as Pathogenic.

Literature cited by the submitters: PubMed 28733979 (cited by Ambry Genetics and Labcorp Genetics (formerly Invitae), Labcorp); PubMed 16301862 (cited by Labcorp Genetics (formerly Invitae), Labcorp); PubMed 16419085 (cited by Labcorp Genetics (formerly Invitae), Labcorp).